The following is an entry in ClinVar:

NM_000492.4(CFTR):c.977C>G (p.Ala326Gly)

Gene: CFTR (CF transmembrane conductance regulator; plus strand). Cytogenetic location: 7q31.2.
Variant type: single nucleotide variant.
Coding change: c.977C>G on transcript NM_000492.4 (MANE Select); coding-DNA position 977, C replaced by G.
Protein change: p.Ala326Gly; replaces alanine 326 with glycine.
Molecular consequence: missense variant.
Genome position (GRCh38, 1-based): chr7:117,540,207, C>G. VCF-style: chr7-117540207-C-G. GRCh37 (hg19) VCF-style: chr7-117180261-C-G.
Other names: short protein forms A326G.
Identifiers: ClinVar variation 1768162 (VCV001768162.3), dbSNP rs1584789296, ClinGen allele CA368978599.
Genomic context (GRCh38, chr7:117,540,207, plus strand): 5'-ATAGCTCAGCCTTCTTCTTCTCAGGGTTCTTTGTGGTGTTTTTATCTGTGCTTCCCTATG[C>G]ACTAATCAAAGGAATCATCCTCCGGAAAATATTCACCACCATCTCATTCTGCATTGTTCT-3'
Protein context (NP_000483.3, residues 316-336): FVVFLSVLPY[Ala326Gly]LIKGIILRKI

ClinVar aggregate classification (germline): Uncertain significance (1 of 4 stars; one submission).

Conditions:
Cystic fibrosis (CF). Also called: MUCOVISCIDOSIS. Identifiers: Orphanet 586, MedGen C0010674, MONDO:0009061, OMIM 219700. Disease mechanism: loss of function.

Allele frequency attached by ClinVar (database versions not stated): TOPMed below 0.00001; gnomAD 0.00001.
gnomAD v4.1: 1 of 1,613,888 alleles (0.000062%); highest among the groups gnomAD compares: Admixed American, 0.0017%; no homozygotes.

Submission:

Ambry Genetics
Classification: Uncertain significance for Cystic fibrosis. Last evaluated: 2024-12-06. Review status: criteria provided, single submitter. Criteria: Ambry Variant Classification Scheme 2023. Collection method: clinical testing. Allele origin: germline.
Comment: The p.A326G variant (also known as c.977C>G), located in coding exon 8 of the CFTR gene, results from a C to G substitution at nucleotide position 977. The alanine at codon 326 is replaced by glycine, an amino acid with similar properties. This amino acid position is well conserved in available vertebrate species. In addition, the in silico prediction for this alteration is inconclusive. Since supporting evidence is limited at this time, the clinical significance of this alteration remains unclear.